The following is an entry in ClinVar:

NM_000257.4(MYH7):c.788_789del (p.Ile263fs)

Gene: MYH7 (myosin heavy chain 7; minus strand). Cytogenetic location: 14q11.2.
Variant type: Deletion.
Coding change: c.788_789del on transcript NM_000257.4 (MANE Select); coding-DNA positions 788 to 789, 2 bases deleted (TA; older notation c.788_789delTA).
Protein change: p.Ile263fs; shifts the reading frame from isoleucine 263.
Molecular consequence: frameshift variant.
Genome position (GRCh38, 1-based): chr14:23,431,425-23,431,426, TA deleted on the plus strand (TA on the coding strand, the reverse complement: MYH7 is on the minus strand); deleting any 2 consecutive bases within chr14:23,431,425-23,431,427 gives the same sequence; the c. name uses the placement nearest the transcript's 3' end. VCF-style (leftmost placement, unchanged base first): chr14-23431424-CTA-C. GRCh37 (hg19) VCF-style: chr14-23900633-CTA-C.
Other names: p.Ile263Argfs*29; c.788_789delTA (NM_000257.2); c.788_789del, p.Ile263fs (NM_001407004.1); short protein forms I263fs.
Identifiers: ClinVar variation 2773967 (VCV002773967.6), dbSNP rs1892932325, ClinGen allele CA2123451427.

ClinVar aggregate classification (germline): Uncertain significance. Review status: criteria provided, multiple submitters, no conflicts (2 of 4 stars). 3 submissions from 3 submitters: Uncertain significance (3). Last evaluated 2022-11-12.

Conditions:
Dilated cardiomyopathy 1S (CMD1S). Identifiers: Orphanet 154, Orphanet 54260, MedGen C1834481, MONDO:0013262, OMIM 613426.
Cardiomyopathy (CMYO). Also called: Cardiomyopathies. Identifiers: Orphanet 167848, MedGen C0878544, MONDO:0004994, HP:0001638. Inheritance: Various modes of inheritance.
Hypertrophic cardiomyopathy. Also called: HYPERTROPHIC MYOCARDIOPATHY. Identifiers: Orphanet 217569, MedGen C0007194, MeSH D002312, MONDO:0005045, HP:0001639.

Submissions (3):

Labcorp Genetics (formerly Invitae), Labcorp
Classification: Uncertain significance for Hypertrophic cardiomyopathy. Last evaluated: 2022-11-12. Review status: criteria provided, single submitter. Criteria: Invitae Variant Classification Sherloc (09022015). Collection method: clinical testing. Allele origin: germline.
Comment: This sequence change creates a premature translational stop signal (p.Ile263Argfs*29) in the MYH7 gene. It is expected to result in an absent or disrupted protein product. However, the current clinical and genetic evidence is not sufficient to establish whether loss-of-function variants in MYH7 cause disease. This variant is not present in population databases (gnomAD no frequency). This variant has not been reported in the literature in individuals affected with MYH7-related conditions. In summary, the available evidence is currently insufficient to determine the role of this variant in disease. Therefore, it has been classified as a Variant of Uncertain Significance.

Color Diagnostics, LLC DBA Color Health
Classification: Uncertain significance for Cardiomyopathy. Last evaluated: 2022-09-27. Review status: criteria provided, single submitter. Criteria: ACMG Guidelines, 2015. Collection method: clinical testing. Allele origin: germline.
Comment: This variant deletes 2 nucleotides in exon 9 of the MYH7 gene, creating a frameshift and premature translation stop signal. This variant is expected to result in an absent or non-functional protein product. To our knowledge, this variant has not been reported in individuals affected with cardiovascular disorders in the literature. This variant has not been identified in the general population by the Genome Aggregation Database (gnomAD). Clinical relevance of loss-of-function MYH7 truncation variants in autosomal dominant cardiovascular disorders is not clearly established. The available evidence is insufficient to determine the role of this variant in disease conclusively. Therefore, this variant is classified as a Variant of Uncertain Significance.

Clinical Genomics Laboratory, Stanford Medicine
Classification: Uncertain significance for Dilated cardiomyopathy 1S. Last evaluated: 2021-04-07. Review status: criteria provided, single submitter. Criteria: ACMG Guidelines, 2015. Collection method: clinical testing. Allele origin: germline. Affected: yes. Observed: 1 heterozygote.
Comment: The p.Ile263Argfs*29 variant in the MYH7 gene has not been previously reported in association with disease. This variant was absent from large population databases, including the Genome Aggregation Database. The p.Ile263Argfs*29 variant leads to a premature stop codon in exon 9 of 40 exons, and is therefore predicted to undergo nonsense-mediated decay resulting in a truncated or absent protein. Loss of MYH7 function is not currently an established mechanism of disease; however, data from the Genome Aggregation Database suggests this gene is intolerant to variants that result in loss of function. Additionally, the ClinGen Inherited Cardiomyopathy Expert Panel suggests compound heterozygosity for loss of function and missense variants in MYH7 may lead to severe clinical presentations (Kelly et al., 2018); however, the clinical significance of MYH7 loss of function variants is incompletely understood. These data were assessed using the ACMG/AMP variant interpretation guidelines. In summary, the significance of the p.Ile263Argfs*29 variant is uncertain. Additional information is needed to resolve the significance of this variant. [ACMG evidence codes used: PVS1_moderate; PM2]